The following is an entry in ClinVar:

NM_005996.4(TBX3):c.277A>T (p.Met93Leu)

Genes: TBX3 (T-box transcription factor 3; minus strand), TBX3-AS1 (TBX3 antisense RNA 1; plus strand). Cytogenetic location: 12q24.21.
Variant type: single nucleotide variant.
Coding change: c.277A>T on transcript NM_005996.4 (MANE Select); coding-DNA position 277, A replaced by T.
Protein change: p.Met93Leu; replaces methionine 93 with leucine.
Molecular consequence: missense variant.
Genome position (GRCh38, 1-based): chr12:114,682,924, T>A on the plus strand (A>T on the coding strand, the complement: TBX3 is on the minus strand). VCF-style: chr12-114682924-T-A. GRCh37 (hg19) VCF-style: chr12-115120729-T-A.
Other names: c.277A>T, p.Met93Leu (NM_016569.4); short protein forms M93L.
Identifiers: ClinVar variation 4984484 (VCV004984484.1).

ClinVar aggregate classification (germline): Uncertain significance (1 of 4 stars; one submission).

Conditions:
TBX3-related disorder. Also called: TBX3-related condition.

Submission:

PreventionGenetics, part of Exact Sciences
Classification: Uncertain significance for TBX3-related condition. Last evaluated: 2025-08-18. Review status: criteria provided, single submitter. Criteria: ACMG Guidelines, 2015. Collection method: clinical testing. Allele origin: germline.
Comment: The TBX3 c.277A>T variant is predicted to result in the amino acid substitution p.Met93Leu. To our knowledge, this variant has not been reported in the literature or in a large population database (gnomAD), indicating this variant is rare. At this time, the clinical significance of this variant is uncertain due to the absence of conclusive functional and genetic evidence.